The following is an entry in ClinVar:

NM_170707.4(LMNA):c.1346G>A (p.Gly449Asp)

Gene: LMNA (lamin A/C; plus strand). Cytogenetic location: 1q22.
Variant type: single nucleotide variant.
Coding change: c.1346G>A on transcript NM_170707.4 (MANE Select); coding-DNA position 1346, G replaced by A.
Protein change: p.Gly449Asp; replaces glycine 449 with aspartic acid.
Molecular consequence: missense variant.
Genome position (GRCh38, 1-based): chr1:156,136,402, G>A. VCF-style: chr1-156136402-G-A. GRCh37 (hg19) VCF-style: chr1-156106193-G-A.
Other names: c.1010G>A, p.Gly337Asp (NM_001257374.3); c.1103G>A, p.Gly368Asp (NM_001282624.2); c.1346G>A, p.Gly449Asp (NM_001282625.2, NM_001282626.2, NM_005572.4 and 1 more transcripts); short protein forms G449D, G337D, G368D.
Identifiers: ClinVar variation 66806 (VCV000066806.7), dbSNP rs267607637, ClinGen allele CA017024.
Genomic context (GRCh38, chr1:156,136,402, plus strand): 5'-GCTTCTCACAGCACGCACGCACTAGCGGGCGCGTGGCCGTGGAGGAGGTGGATGAGGAGG[G>A]CAAGTTTGTCCGGCTGCGCAACAAGTCCAATGAGGTAGGCTCCTGCTCAGGGTCTAAGGG-3'
Protein context (NP_733821.1, residues 439-459): RVAVEEVDEE[Gly449Asp]KFVRLRNKSN

ClinVar aggregate classification (germline): Pathogenic. Review status: criteria provided, single submitter (1 of 4 stars). 2 submissions from 2 submitters: Pathogenic (1). 1 of the submissions does not count toward it. Last evaluated 2023-04-18.

Conditions:
Charcot-Marie-Tooth disease type 2. Also called: Charcot-Marie-Tooth type 2. Identifiers: Orphanet 64746, MedGen C0270914, MONDO:0018993.

Submissions (2):

Labcorp Genetics (formerly Invitae), Labcorp
Classification: Pathogenic for Charcot-Marie-Tooth disease type 2. Last evaluated: 2023-04-18. Review status: criteria provided, single submitter. Criteria: Invitae Variant Classification Sherloc (09022015). Collection method: clinical testing. Allele origin: germline.
Comment: For these reasons, this variant has been classified as Pathogenic. Advanced modeling of protein sequence and biophysical properties (such as structural, functional, and spatial information, amino acid conservation, physicochemical variation, residue mobility, and thermodynamic stability) performed at Invitae indicates that this missense variant is expected to disrupt LMNA protein function. ClinVar contains an entry for this variant (Variation ID: 66806). This missense change has been observed in individual(s) with LMNA-related conditions (PMID: 20848652, 22491857; Invitae). In at least one individual the variant was observed to be de novo. This variant is not present in population databases (gnomAD no frequency). This sequence change replaces glycine, which is neutral and non-polar, with aspartic acid, which is acidic and polar, at codon 449 of the LMNA protein (p.Gly449Asp).

Epithelial Biology;  Institute of Medical Biology, Singapore
No classification provided. Review status: no classification provided. Collection method: not provided. Allele origin: not provided. Not counted in ClinVar's aggregate classification.

Literature cited by the submitters: PubMed 20848652 (cited by Labcorp Genetics (formerly Invitae), Labcorp); PubMed 22491857 (cited by Labcorp Genetics (formerly Invitae), Labcorp).